The following is an entry in ClinVar:

ClinVar aggregate classification (germline): Likely pathogenic (1 of 4 stars; one submission).

Conditions:
Hereditary diffuse gastric adenocarcinoma (HDGC). Also called: DIFFUSE GASTRIC AND LOBULAR BREAST CANCER SYNDROME. Identifiers: Orphanet 26106, MedGen C1708349, MONDO:0007648, OMIM 137215.

Allele frequency attached by ClinVar (database versions not stated): gnomAD exomes below 0.00001.
gnomAD v4.1: 2 of 1,545,024 alleles (0.00013%); highest among the groups gnomAD compares: Non-Finnish European, 0.00018%; no homozygotes.

Submission:

Myriad Genetics, Inc.
Classification: Likely pathogenic for Hereditary diffuse gastric adenocarcinoma. Last evaluated: 2023-06-08. Review status: criteria provided, single submitter. Criteria: Myriad Autosomal Dominant, Autosomal Recessive and X-Linked Classification Criteria (2023). Collection method: clinical testing. Allele origin: unknown.
Comment: This variant is considered likely pathogenic. This variant occurs within a consensus splice junction and is predicted to result in abnormal mRNA splicing of either an out-of-frame exon or an in-frame exon necessary for protein stability and/or normal function. This variant has been reported in multiple individuals with clinical features of gene-specific disease [PMID: 15780560, 10072428, 24333020, 17221870].

Literature cited by the submitters: PubMed 15780560; PubMed 10072428; PubMed 24333020; PubMed 17221870.

NM_004360.5(CDH1):c.49-1G>T

Gene: CDH1 (cadherin 1; plus strand). Cytogenetic location: 16q22.1.
Variant type: single nucleotide variant.
Coding change: c.49-1G>T on transcript NM_004360.5 (MANE Select); the canonical splice acceptor site of the intron before coding-DNA position 49, G replaced by T.
Molecular consequence: splice acceptor variant.
Genome position (GRCh38, 1-based): chr16:68,738,296, G>T. VCF-style: chr16-68738296-G-T. GRCh37 (hg19) VCF-style: chr16-68772199-G-T.
Other names: c.-1567-1G>T (NM_001317185.2); c.-1771-1G>T (NM_001317186.2); c.49-1G>T (NM_001317184.2).
Identifiers: ClinVar variation 2584247 (VCV002584247.2), dbSNP rs2152114329, ClinGen allele CA396451568.
Genomic context (GRCh38, chr16:68,738,296, plus strand): 5'-TCGGTGAGCAGGAGGGAACCCTCCGAGTCACCCGGTTCCATCTACCTTTCCCCCACCCCA[G>T]GTCTCCTCTTGGCTCTGCCAGGAGCCGGAGCCCTGCCACCCTGGCTTTGACGCCGAGAGC-3'